The following is an entry in ClinVar:

ClinVar aggregate classification (germline): Uncertain significance. Review status: criteria provided, multiple submitters, no conflicts (2 of 4 stars). 2 submissions from 2 submitters: Uncertain significance (2). Last evaluated 2025-08-03.

Conditions:
Inborn genetic diseases. Identifiers: MedGen C0950123, MeSH D030342.

Allele frequency attached by ClinVar (database versions not stated): gnomAD exomes below 0.00001 and 0.00004; ExAC 0.00001; gnomAD 0.00005 and 0.00006; TOPMed 0.00006; ESP Exome Variant Server 0.00008.
gnomAD v4.1: 62 of 1,614,050 alleles (0.0038%); highest among the groups gnomAD compares: Non-Finnish European, 0.0049%; 1 homozygote.

Submissions (2):

Ambry Genetics
Classification: Uncertain significance for Inborn genetic diseases. Last evaluated: 2025-08-03. Review status: criteria provided, single submitter. Criteria: Ambry Variant Classification Scheme 2023. Collection method: clinical testing. Allele origin: germline.

Labcorp Genetics (formerly Invitae), Labcorp
Classification: Uncertain significance. Last evaluated: 2022-05-04. Review status: criteria provided, single submitter. Criteria: Invitae Variant Classification Sherloc (09022015). Collection method: clinical testing. Allele origin: germline.
Comment: This sequence change replaces cysteine, which is neutral and slightly polar, with tyrosine, which is neutral and polar, at codon 228 of the HPS5 protein (p.Cys228Tyr). This variant is present in population databases (rs373225781, gnomAD 0.008%). This variant has not been reported in the literature in individuals affected with HPS5-related conditions. Algorithms developed to predict the effect of missense changes on protein structure and function (SIFT, PolyPhen-2, Align-GVGD) all suggest that this variant is likely to be tolerated. In summary, the available evidence is currently insufficient to determine the role of this variant in disease. Therefore, it has been classified as a Variant of Uncertain Significance.

NM_181507.2(HPS5):c.683G>A (p.Cys228Tyr)

Gene: HPS5 (HPS5 biogenesis of lysosomal organelles complex 2 subunit 2; minus strand). Cytogenetic location: 11p15.1.
Variant type: single nucleotide variant.
Coding change: c.683G>A on transcript NM_181507.2 (MANE Select); coding-DNA position 683, G replaced by A.
Protein change: p.Cys228Tyr; replaces cysteine 228 with tyrosine.
Molecular consequence: missense variant.
Genome position (GRCh38, 1-based): chr11:18,306,276, C>T on the plus strand (G>A on the coding strand, the complement: HPS5 is on the minus strand). VCF-style: chr11-18306276-C-T. GRCh37 (hg19) VCF-style: chr11-18327823-C-T.
Other names: c.341G>A, p.Cys114Tyr (NM_007216.4, NM_181508.2); short protein forms C114Y, C228Y.
Identifiers: ClinVar variation 1354326 (VCV001354326.4), dbSNP rs373225781, ClinGen allele CA5910366.